The following is an entry in ClinVar:

ClinVar aggregate classification (germline): Uncertain significance (1 of 4 stars; one submission).

Conditions:
VWF-related disorder. Also called: VWF-related condition; VWF-related disorders.

Submission:

PreventionGenetics, part of Exact Sciences
Classification: Uncertain significance for VWF-related condition. Last evaluated: 2026-03-03. Review status: criteria provided, single submitter. Criteria: ACMG Guidelines, 2015. Collection method: clinical testing. Allele origin: germline.
Comment: The VWF c.4732A>C variant is predicted to result in the amino acid substitution p.Thr1578Pro. To our knowledge, this variant has not been reported in the literature or in a large population database (gnomAD), indicating this variant is rare. At this time, the clinical significance of this variant is uncertain due to the absence of conclusive functional and genetic evidence.

NM_000552.5(VWF):c.4732A>C (p.Thr1578Pro)

Gene: VWF (von Willebrand factor; minus strand). Cytogenetic location: 12p13.31.
Variant type: single nucleotide variant.
Coding change: c.4732A>C on transcript NM_000552.5 (MANE Select); coding-DNA position 4732, A replaced by C.
Protein change: p.Thr1578Pro; replaces threonine 1578 with proline.
Molecular consequence: missense variant.
Genome position (GRCh38, 1-based): chr12:6,018,686, T>G on the plus strand (A>C on the coding strand, the complement: VWF is on the minus strand). VCF-style: chr12-6018686-T-G. GRCh37 (hg19) VCF-style: chr12-6127852-T-G.
Other names: short protein forms T1578P.
Identifiers: ClinVar variation 4993245 (VCV004993245.1).